The following is an entry in ClinVar:

ClinVar aggregate classification (germline): Conflicting classifications of pathogenicity. Review status: criteria provided, conflicting classifications (1 of 4 stars). 4 submissions from 4 submitters: Uncertain significance (3); Likely benign (1). Last evaluated 2025-03-17.

Conditions:
Long QT syndrome (LQTS). Identifiers: MedGen C0023976, MeSH D008133, MONDO:0002442. Disease mechanism: loss of function. Inheritance: Various modes of inheritance.
Cardiac arrhythmia, ankyrin-B-related. Also called: ANKYRIN-B SYNDROME. Identifiers: Orphanet 101016, Orphanet 768, MedGen C1970119, MONDO:0010958, OMIM 600919.
Cardiovascular phenotype. Identifiers: MedGen CN230736.

Allele frequency attached by ClinVar (database versions not stated): gnomAD 0.00001; ExAC 0.00002; TOPMed 0.00003; ESP Exome Variant Server 0.00008.
gnomAD v4.1: 63 of 1,613,664 alleles (0.0039%); highest among the groups gnomAD compares: Middle Eastern, 0.016%; no homozygotes.

Submissions (4):

Labcorp Genetics (formerly Invitae), Labcorp
Classification: Uncertain significance for Long QT syndrome. Last evaluated: 2025-03-17. Review status: criteria provided, single submitter. Criteria: Invitae Variant Classification Sherloc (09022015). Collection method: clinical testing. Allele origin: germline.
Comment: This sequence change replaces serine, which is neutral and polar, with asparagine, which is neutral and polar, at codon 19 of the ANK2 protein (p.Ser19Asn). This variant is present in population databases (rs369260005, gnomAD 0.02%). This variant has not been reported in the literature in individuals affected with ANK2-related conditions. ClinVar contains an entry for this variant (Variation ID: 347301). An algorithm developed to predict the effect of missense changes on protein structure and function (PolyPhen-2) suggests that this variant is likely to be tolerated. In summary, the available evidence is currently insufficient to determine the role of this variant in disease. Therefore, it has been classified as a Variant of Uncertain Significance.

Ambry Genetics
Classification: Uncertain significance for Cardiovascular phenotype. Last evaluated: 2024-10-14. Review status: criteria provided, single submitter. Criteria: Ambry Variant Classification Scheme 2023. Collection method: clinical testing. Allele origin: germline.
Comment: The p.S19N variant (also known as c.56G>A), located in coding exon 1 of the ANK2 gene, results from a G to A substitution at nucleotide position 56. The serine at codon 19 is replaced by asparagine, an amino acid with highly similar properties. This amino acid position is not well conserved in available vertebrate species. In addition, this alteration is predicted to be tolerated by in silico analysis. Since supporting evidence is limited at this time, the clinical significance of this alteration remains unclear.

Illumina Laboratory Services, Illumina
Classification: Uncertain significance for Cardiac arrhythmia, ankyrin-B-related. Last evaluated: 2018-01-12. Review status: criteria provided, single submitter. Criteria: ICSL Variant Classification Criteria 13 December 2019. Collection method: clinical testing. Allele origin: germline.

GeneDx
Classification: Likely benign. Last evaluated: 2015-03-03. Review status: criteria provided, single submitter. Criteria: GeneDx Variant Classification Process June 2021. Collection method: clinical testing. Allele origin: germline. Affected: yes.

NM_001148.6(ANK2):c.56G>A (p.Ser19Asn)

Gene: ANK2 (ankyrin 2; plus strand). Cytogenetic location: 4q25.
Variant type: single nucleotide variant.
Coding change: c.56G>A on transcript NM_001148.6 (MANE Select); coding-DNA position 56, G replaced by A.
Protein change: p.Ser19Asn; replaces serine 19 with asparagine.
Molecular consequence: missense variant. On other transcripts: intron variant (43).
Genome position (GRCh38, 1-based): chr4:113,049,784, G>A. VCF-style: chr4-113049784-G-A. GRCh37 (hg19) VCF-style: chr4-113970940-G-A.
Other names: c.56G>A, p.Ser19Asn (NM_001354225.2, NM_001354228.2, NM_001354232.2 and 10 more transcripts); c.73-124632G>A (NM_001386186.2, NM_001386148.2, NM_001354269.3 and 1 more transcripts); c.22-101296G>A (NM_001386147.1, NM_001386160.1, NM_001354261.2); c.22-124632G>A (NM_001354254.2, NM_001354239.2, NM_001354252.2 and 33 more transcripts); short protein forms S19N.
Identifiers: ClinVar variation 347301 (VCV000347301.16), dbSNP rs369260005, ClinGen allele CA3049843.